The following is an entry in ClinVar:

ClinVar aggregate classification (germline): Uncertain significance. Review status: criteria provided, multiple submitters, no conflicts (2 of 4 stars). 2 submissions from 2 submitters: Uncertain significance (2). Last evaluated 2021-08-25.

gnomAD v4.1: 1 of 1,613,390 alleles (0.000062%); highest among the groups gnomAD compares: Non-Finnish European, 0.000085%; no homozygotes.

Submissions (2):

GeneDx
Classification: Uncertain significance. Last evaluated: 2021-08-25. Review status: criteria provided, single submitter. Criteria: GeneDx Variant Classification Process June 2021. Collection method: clinical testing. Allele origin: germline. Affected: yes.
Comment: Has not been previously published as pathogenic or benign to our knowledge; In silico analysis supports that this missense variant has a deleterious effect on protein structure/function

Blueprint Genetics
Classification: Uncertain significance. Last evaluated: 2019-04-19. Review status: criteria provided, single submitter. Criteria: ACMG Guidelines, 2015. Collection method: clinical testing. Allele origin: germline.

NM_022552.5(DNMT3A):c.149G>A (p.Arg50Gln)

Gene: DNMT3A (DNA methyltransferase 3 alpha; minus strand). Cytogenetic location: 2p23.3.
Variant type: single nucleotide variant.
Coding change: c.149G>A on transcript NM_022552.5 (MANE Select); coding-DNA position 149, G replaced by A.
Protein change: p.Arg50Gln; replaces arginine 50 with glutamine.
Molecular consequence: missense variant. On other transcripts: non-coding transcript variant (1).
Genome position (GRCh38, 1-based): chr2:25,300,167, C>T on the plus strand (G>A on the coding strand, the complement: DNMT3A is on the minus strand). VCF-style: chr2-25300167-C-T. GRCh37 (hg19) VCF-style: chr2-25523036-C-T.
Other names: c.149G>A, p.Arg50Gln (NM_001320892.2, NM_175629.2, NM_175630.1); short protein forms R50Q.
Identifiers: ClinVar variation 1342785 (VCV001342785.3), dbSNP rs2149405135, ClinGen allele CA346251632.
Genomic context (GRCh38, chr2:25,300,167, plus strand): 5'-GCACAGGAGGGTGTGTAGGATGTGACACTCACCGGGGGGTGCTTGCGCTTCCTCCCAGGC[C>T]GCCCCACCTTCCGTGCCGTGGTGCTGGGCTCTTGGCGCTCCTCCTTGCCACGCGGCTCCT-3'
Protein context (NP_072046.2, residues 40-60): EPSTTARKVG[Arg50Gln]PGRKRKHPPV